The following is an entry in ClinVar:

NM_000268.4(NF2):c.1773C>G (p.Phe591Leu)

Gene: NF2 (NF2, moesin-ezrin-radixin like (MERLIN) tumor suppressor; plus strand). Cytogenetic location: 22q12.2.
Variant type: single nucleotide variant.
Coding change: c.1773C>G on transcript NM_000268.4 (MANE Select); coding-DNA position 1773, C replaced by G.
Protein change: p.Phe591Leu; replaces phenylalanine 591 with leucine.
Molecular consequence: missense variant. On other transcripts: 3 prime UTR variant (11), non-coding transcript variant (1).
Genome position (GRCh38, 1-based): chr22:29,694,787, C>G. VCF-style: chr22-29694787-C-G. GRCh37 (hg19) VCF-style: chr22-30090776-C-G.
Other names: c.1659C>G, p.Phe553Leu (NM_001407053.1); c.1650C>G, p.Phe550Leu (NM_001407054.1); c.1647C>G, p.Phe549Leu (NM_001407055.1); c.*45C>G (NM_001407056.1, NM_001407059.1, NM_001407065.1 and 5 more transcripts); c.1638C>G, p.Phe546Leu (NM_001407057.1); c.*60C>G (NM_001407058.1, NM_001407063.1, NM_181832.3); c.1610C>G, p.Ser537Cys (NM_001407060.1); c.1515C>G, p.Phe505Leu (NM_001407062.1); and 2 more; short protein forms F161L, F505L, F546L, F549L, F550L, F553L, F591L, S454C.
Identifiers: ClinVar variation 3372951 (VCV003372951.1).

ClinVar aggregate classification (germline): Uncertain significance (1 of 4 stars; one submission).

Submission:

GeneDx
Classification: Uncertain significance. Last evaluated: 2024-04-22. Review status: criteria provided, single submitter. Criteria: GeneDx Variant Classification Process June 2021. Collection method: clinical testing. Allele origin: germline. Affected: yes.
Comment: In silico analysis indicates that this missense variant does not alter protein structure/function; Has not been previously published as pathogenic or benign to our knowledge; This variant is associated with the following publications: (PMID: 11756419)